The following is an entry in ClinVar:

ClinVar aggregate classification (germline): Uncertain significance. Review status: criteria provided, multiple submitters, no conflicts (2 of 4 stars). 3 submissions from 3 submitters: Uncertain significance (3). Last evaluated 2025-12-10.

Conditions:
Inborn genetic diseases. Identifiers: MedGen C0950123, MeSH D030342.

Allele frequency attached by ClinVar (database versions not stated): TOPMed 0.00030; 1000 Genomes Project 0.00040; gnomAD 0.00022; ESP Exome Variant Server 0.00023; 1000 Genomes Project 30x 0.00031.
gnomAD v4.1: 50 of 1,614,048 alleles (0.0031%); highest among the groups gnomAD compares: African/African-American, 0.064%; no homozygotes.

Submissions (3):

Ambry Genetics
Classification: Uncertain significance for Inborn genetic diseases. Last evaluated: 2025-12-10. Review status: criteria provided, single submitter. Criteria: Ambry Variant Classification Scheme 2023. Collection method: clinical testing. Allele origin: germline.

Labcorp Genetics (formerly Invitae), Labcorp
Classification: Uncertain significance. Last evaluated: 2022-12-05. Review status: criteria provided, single submitter. Criteria: Invitae Variant Classification Sherloc (09022015). Collection method: clinical testing. Allele origin: germline.
Comment: This sequence change replaces glutamic acid, which is acidic and polar, with glutamine, which is neutral and polar, at codon 95 of the HSPG2 protein (p.Glu95Gln). This variant is present in population databases (rs145704241, gnomAD 0.07%). This variant has not been reported in the literature in individuals affected with HSPG2-related conditions. ClinVar contains an entry for this variant (Variation ID: 811722). Algorithms developed to predict the effect of missense changes on protein structure and function (SIFT, PolyPhen-2, Align-GVGD) all suggest that this variant is likely to be tolerated. In summary, the available evidence is currently insufficient to determine the role of this variant in disease. Therefore, it has been classified as a Variant of Uncertain Significance.

ARUP Laboratories, Molecular Genetics and Genomics, ARUP Laboratories
Classification: Uncertain significance. Last evaluated: 2018-08-18. Review status: criteria provided, single submitter. Criteria: ARUP Molecular Germline Variant Investigation Process. Collection method: clinical testing. Allele origin: germline.
Comment: The HSPG2 c.283G>C; p.Glu95Gln variant (rs145704241), to our knowledge, is not reported in the medical literature or in gene-specific databases, but is observed in the African population at an overall frequency of 0.07% (17/24038 alleles) in the Genome Aggregation Database. The glutamic acid at codon 95 is weakly conserved, and computational algorithms (PolyPhen-2, SIFT) predict that this variant does not affect protein structure/function. Computational splicing programs (Alamut v.2.11) predict that this variant creates a novel cryptic splice acceptor site, however, functional mRNA studies are required in order to confirm any splicing impact that this variant may have. Due to limited clinical and functional data regarding this variant, its clinical significance cannot be determined with certainty.

NM_005529.7(HSPG2):c.283G>C (p.Glu95Gln)

Gene: HSPG2 (heparan sulfate proteoglycan 2; minus strand). Cytogenetic location: 1p36.12.
Variant type: single nucleotide variant.
Coding change: c.283G>C on transcript NM_005529.7 (MANE Select); coding-DNA position 283, G replaced by C.
Protein change: p.Glu95Gln; replaces glutamic acid 95 with glutamine.
Molecular consequence: missense variant.
Genome position (GRCh38, 1-based): chr1:21,890,656, C>G on the plus strand (G>C on the coding strand, the complement: HSPG2 is on the minus strand). VCF-style: chr1-21890656-C-G. GRCh37 (hg19) VCF-style: chr1-22217149-C-G.
Other names: c.283G>C, p.Glu95Gln (NM_001291860.2); c.283G>C (NM_005529.5); short protein forms E95Q.
Identifiers: ClinVar variation 811722 (VCV000811722.16), dbSNP rs145704241, ClinGen allele CA673945.